The following is an entry in ClinVar:

ClinVar aggregate classification (germline): Likely benign. Review status: criteria provided, single submitter (1 of 4 stars). 2 submissions from 2 submitters: Likely benign (1). 1 of the submissions does not count toward it. Last evaluated 2025-12-30.

Conditions:
ERCC6L2-related disorder. Also called: ERCC6L2-related condition.

Allele frequency attached by ClinVar (database versions not stated): gnomAD 0.00003; ExAC 0.00017.
gnomAD v4.1: 124 of 1,612,840 alleles (0.0077%); highest among the groups gnomAD compares: South Asian, 0.13%; 1 homozygote.

Submissions (2):

Labcorp Genetics (formerly Invitae), Labcorp
Classification: Likely benign. Last evaluated: 2025-12-30. Review status: criteria provided, single submitter. Criteria: Invitae Variant Classification Sherloc (09022015). Collection method: clinical testing. Allele origin: germline.

PreventionGenetics, part of Exact Sciences
Classification: Likely benign for ERCC6L2-related condition. Last evaluated: 2019-06-27. Review status: no assertion criteria provided. Collection method: clinical testing. Allele origin: germline. Not counted in ClinVar's aggregate classification.
Comment: This variant is classified as likely benign based on ACMG/AMP sequence variant interpretation guidelines (Richards et al. 2015 PMID: 25741868, with internal and published modifications).

NM_020207.7(ERCC6L2):c.1425C>T (p.Ile475=)

Gene: ERCC6L2 (ERCC excision repair 6 like 2; plus strand). Cytogenetic location: 9q22.32.
Variant type: single nucleotide variant.
Coding change: c.1425C>T on transcript NM_020207.7 (MANE Select); coding-DNA position 1425, C replaced by T.
Protein change: p.Ile475=; no amino-acid change (isoleucine 475 retained).
Molecular consequence: synonymous variant. On other transcripts: non-coding transcript variant (1).
Genome position (GRCh38, 1-based): chr9:95,923,271, C>T. VCF-style: chr9-95923271-C-T. GRCh37 (hg19) VCF-style: chr9-98685553-C-T.
Other names: c.1458C>T (NM_001010895.2); c.1425C>T, p.Ile475= (NM_001010895.4, NM_001375291.1, NM_001375292.1 and 2 more transcripts).
Identifiers: ClinVar variation 2193142 (VCV002193142.6), dbSNP rs753016839, ClinGen allele CA5139569.
Genomic context (GRCh38, chr9:95,923,271, plus strand): 5'-TTGAATGTGTTAAGTGGAAATATCTTTTCTTCTGCCTTTTCCCTTCAAGGAAACACTTAT[C>T]AAAAGGATATGTGATCAGGTATTTTCCAGATTCCCAGATTTTGTGCAGAAAAGCAAAGAT-3'
Protein context (NP_064592.3, residues 465-485): ASTSKQQETL[Ile475=]KRICDQVFSR